The following is an entry in ClinVar:

ClinVar aggregate classification (germline): Uncertain significance (1 of 4 stars; one submission).

Submission:

GeneDx
Classification: Uncertain significance. Last evaluated: 2022-08-04. Review status: criteria provided, single submitter. Criteria: GeneDx Variant Classification Process June 2021. Collection method: clinical testing. Allele origin: germline. Affected: yes.
Comment: Not observed at significant frequency in large population cohorts (gnomAD); In silico analysis supports that this missense variant has a deleterious effect on protein structure/function; Has not been previously published as pathogenic or benign to our knowledge

NM_001042492.3(NF1):c.427T>A (p.Phe143Ile)

Gene: NF1 (neurofibromin 1; plus strand). Cytogenetic location: 17q11.2.
Variant type: single nucleotide variant.
Coding change: c.427T>A on transcript NM_001042492.3 (MANE Select); coding-DNA position 427, T replaced by A.
Protein change: p.Phe143Ile; replaces phenylalanine 143 with isoleucine.
Molecular consequence: missense variant.
Genome position (GRCh38, 1-based): chr17:31,163,324, T>A. VCF-style: chr17-31163324-T-A. GRCh37 (hg19) VCF-style: chr17-29490342-T-A.
Other names: c.427T>A, p.Phe143Ile (NM_000267.4, NM_001128147.3); short protein forms F143I.
Identifiers: ClinVar variation 2428785 (VCV002428785.3), dbSNP rs2065794956, ClinGen allele CA398981924.